The following is an entry in ClinVar:

ClinVar aggregate classification (germline): Likely benign (1 of 4 stars; one submission).

Allele frequency attached by ClinVar (database versions not stated): gnomAD exomes 0.00005; gnomAD 0.00010; TOPMed 0.00011; ExAC 0.00015; 1000 Genomes Project 0.00020; 1000 Genomes Project 30x 0.00031.

Submissions (2):

CeGaT Center for Human Genetics Tuebingen
Classification: Likely benign. Last evaluated: 2022-07-01. Review status: criteria provided, single submitter. Criteria: CeGaT Center For Human Genetics Tuebingen Variant Classification Criteria Version 2. Collection method: clinical testing. Allele origin: germline. Affected: yes. Observed: 1 variant allele.
Comment: XPC: BP4

Dr. Peter K. Rogan Lab, Western University
No classification provided (evidence only). Condition: Melanoma. Review status: no classification provided. Collection method: in vitro. Allele origin: not applicable. Functional consequence: retained intron. Not counted in ClinVar's aggregate classification.

NM_004628.5(XPC):c.878G>A (p.Arg293Gln)

Gene: XPC (XPC complex subunit, DNA damage recognition and repair factor; minus strand). Cytogenetic location: 3p25.1.
Variant type: single nucleotide variant.
Coding change: c.878G>A on transcript NM_004628.5 (MANE Select); coding-DNA position 878, G replaced by A.
Protein change: p.Arg293Gln; replaces arginine 293 with glutamine.
Molecular consequence: missense variant. On other transcripts: non-coding transcript variant (2).
Genome position (GRCh38, 1-based): chr3:14,164,835, C>T on the plus strand (G>A on the coding strand, the complement: XPC is on the minus strand). VCF-style: chr3-14164835-C-T. GRCh37 (hg19) VCF-style: chr3-14206335-C-T.
Other names: NC_000003.11:g.14206335C>T; c.299G>A, p.Arg100Gln (NM_001354726.2); c.878G>A, p.Arg293Gln (NM_001354727.2, NM_001354730.2); c.860G>A, p.Arg287Gln (NM_001354729.2); short protein forms R100Q, R287Q, R293Q.
Identifiers: ClinVar variation 2653581 (VCV002653581.25), dbSNP rs529962425, ClinGen allele CA2267575.
Genomic context (GRCh38, chr3:14,164,835, plus strand): 5'-GTACTGATAAAAAACAGTGATCCGGGAGGATCACTTACATGGACCAATTCCTCATCATCT[C>T]GAGCAGAGTAAATAGCAAATCTCCTTTCCAATGTAGTCTGCAGGTTATCTTGTTCACTGG-3'
Protein context (NP_004619.3, residues 283-303): LERRFAIYSA[Arg293Gln]DDEELVHIFL